The following is an entry in ClinVar:

NM_153026.3(PRICKLE1):c.746A>C (p.Glu249Ala)

Gene: PRICKLE1 (prickle planar cell polarity protein 1; minus strand). Cytogenetic location: 12q12.
Variant type: single nucleotide variant.
Coding change: c.746A>C on transcript NM_153026.3 (MANE Select); coding-DNA position 746, A replaced by C.
Protein change: p.Glu249Ala; replaces glutamic acid 249 with alanine.
Molecular consequence: missense variant.
Genome position (GRCh38, 1-based): chr12:42,466,223, T>G on the plus strand (A>C on the coding strand, the complement: PRICKLE1 is on the minus strand). VCF-style: chr12-42466223-T-G. GRCh37 (hg19) VCF-style: chr12-42860025-T-G.
Other names: c.746A>C, p.Glu249Ala (NM_001144881.2, NM_001144882.2, NM_001144883.2); short protein forms E249A.
Identifiers: ClinVar variation 2111568 (VCV002111568.4), dbSNP rs2503431319, ClinGen allele CA384443271.

ClinVar aggregate classification (germline): Uncertain significance (1 of 4 stars; one submission).

Conditions:
Epilepsy, progressive myoclonic, 1B. Also called: PME. Identifiers: Orphanet 308, MedGen C2676254, MONDO:0012904, OMIM 612437.

Submission:

Labcorp Genetics (formerly Invitae), Labcorp
Classification: Uncertain significance for Epilepsy, progressive myoclonic, 1B. Last evaluated: 2022-03-14. Review status: criteria provided, single submitter. Criteria: Invitae Variant Classification Sherloc (09022015). Collection method: clinical testing. Allele origin: germline.
Comment: This sequence change replaces glutamic acid, which is acidic and polar, with alanine, which is neutral and non-polar, at codon 249 of the PRICKLE1 protein (p.Glu249Ala). This variant is not present in population databases (gnomAD no frequency). This variant has not been reported in the literature in individuals affected with PRICKLE1-related conditions. Algorithms developed to predict the effect of missense changes on protein structure and function (SIFT, PolyPhen-2, Align-GVGD) all suggest that this variant is likely to be disruptive. In summary, the available evidence is currently insufficient to determine the role of this variant in disease. Therefore, it has been classified as a Variant of Uncertain Significance.